The following is an entry in ClinVar:

NM_005901.6(SMAD2):c.271A>G (p.Asn91Asp)

Gene: SMAD2 (SMAD family member 2; minus strand). Cytogenetic location: 18q21.1.
Variant type: single nucleotide variant.
Coding change: c.271A>G on transcript NM_005901.6 (MANE Select); coding-DNA position 271, A replaced by G.
Protein change: p.Asn91Asp; replaces asparagine 91 with aspartic acid.
Molecular consequence: missense variant. On other transcripts: intron variant (1).
Genome position (GRCh38, 1-based): chr18:47,870,530, T>C on the plus strand (A>G on the coding strand, the complement: SMAD2 is on the minus strand). VCF-style: chr18-47870530-T-C. GRCh37 (hg19) VCF-style: chr18-45396901-T-C.
Other names: c.271A>G, p.Asn91Asp (NM_001003652.4); c.237-1094A>G (NM_001135937.3); c.271A>G (NM_005901.4); short protein forms N91D.
Identifiers: ClinVar variation 1393667 (VCV001393667.7), dbSNP rs750419429, ClinGen allele CA8956318.

ClinVar aggregate classification (germline): Uncertain significance. Review status: criteria provided, multiple submitters, no conflicts (2 of 4 stars). 2 submissions from 2 submitters: Uncertain significance (2). Last evaluated 2024-02-01.

Conditions:
Inborn genetic diseases. Identifiers: MedGen C0950123, MeSH D030342.

Allele frequency attached by ClinVar (database versions not stated): gnomAD exomes below 0.00001; ExAC 0.00001.
gnomAD v4.1: 1 of 1,613,734 alleles (0.000062%); highest among the groups gnomAD compares: Non-Finnish European, 0.000085%; no homozygotes.

Submissions (2):

Ambry Genetics
Classification: Uncertain significance for Inborn genetic diseases. Last evaluated: 2024-02-01. Review status: criteria provided, single submitter. Criteria: Ambry Variant Classification Scheme 2023. Collection method: clinical testing. Allele origin: germline.
Comment: The p.N91D variant (also known as c.271A>G), located in coding exon 2 of the SMAD2 gene, results from an A to G substitution at nucleotide position 271. The asparagine at codon 91 is replaced by aspartic acid, an amino acid with highly similar properties. This amino acid position is conserved. In addition, the in silico prediction for this alteration is inconclusive. Based on the available evidence, the clinical significance of this alteration remains unclear.

Labcorp Genetics (formerly Invitae), Labcorp
Classification: Uncertain significance. Last evaluated: 2021-11-16. Review status: criteria provided, single submitter. Criteria: Invitae Variant Classification Sherloc (09022015). Collection method: clinical testing. Allele origin: germline.
Comment: This sequence change replaces asparagine, which is neutral and polar, with aspartic acid, which is acidic and polar, at codon 91 of the SMAD2 protein (p.Asn91Asp). In summary, the available evidence is currently insufficient to determine the role of this variant in disease. Therefore, it has been classified as a Variant of Uncertain Significance. Advanced modeling of protein sequence and biophysical properties (such as structural, functional, and spatial information, amino acid conservation, physicochemical variation, residue mobility, and thermodynamic stability) performed at Invitae indicates that this missense variant is not expected to disrupt SMAD2 protein function. This variant has not been reported in the literature in individuals affected with SMAD2-related conditions. This variant is present in population databases (rs750419429, gnomAD 0.007%).